The following is an entry in ClinVar:

NM_000235.4(LIPA):c.724T>C (p.Trp242Arg)

Gene: LIPA (lipase A, lysosomal acid type; minus strand). Cytogenetic location: 10q23.31.
Variant type: single nucleotide variant.
Coding change: c.724T>C on transcript NM_000235.4 (MANE Select); coding-DNA position 724, T replaced by C.
Protein change: p.Trp242Arg; replaces tryptophan 242 with arginine.
Molecular consequence: missense variant.
Genome position (GRCh38, 1-based): chr10:89,223,782, A>G on the plus strand (T>C on the coding strand, the complement: LIPA is on the minus strand). VCF-style: chr10-89223782-A-G. GRCh37 (hg19) VCF-style: chr10-90983539-A-G.
Other names: c.724T>C, p.Trp242Arg (NM_001127605.3); c.376T>C, p.Trp126Arg (NM_001288979.2); short protein forms W126R, W242R.
Identifiers: ClinVar variation 1757917 (VCV001757917.2), dbSNP rs755034774, ClinGen allele CA5593631.
Genomic context (GRCh38, chr10:89,223,782, plus strand): 5'-AACAGAGATTTCCACAGAGCTCCTTCAGTATGACATGAGTGCAAACGTGGGTACCCAGCC[A>G]CTTCAAAAACGCACTCTGGGGAAGAAATTCTTTGTCTCCAAATAAGTCCTACAAAATAAA-3'
Protein context (NP_000226.2, residues 232-252): EFLPQSAFLK[Trp242Arg]LGTHVCTHVI

ClinVar aggregate classification (germline): Uncertain significance (1 of 4 stars; one submission).

Conditions:
Cardiovascular phenotype. Identifiers: MedGen CN230736.

Allele frequency attached by ClinVar (database versions not stated): ExAC 0.00001; TOPMed 0.00001.

Submission:

Ambry Genetics
Classification: Uncertain significance for Cardiovascular phenotype. Last evaluated: 2022-10-09. Review status: criteria provided, single submitter. Criteria: Ambry Variant Classification Scheme 2023. Collection method: clinical testing. Allele origin: germline.
Comment: The p.W242R variant (also known as c.724T>C), located in coding exon 6 of the LIPA gene, results from a T to C substitution at nucleotide position 724. The tryptophan at codon 242 is replaced by arginine, an amino acid with dissimilar properties. This amino acid position is conserved. In addition, the in silico prediction for this alteration is inconclusive. Since supporting evidence is limited at this time, the clinical significance of this alteration remains unclear.